The following is an entry in ClinVar:

ClinVar aggregate classification (germline): Uncertain significance (1 of 4 stars; one submission).

Allele frequency attached by ClinVar (database versions not stated): gnomAD exomes below 0.00001.
gnomAD v4.1: 1 of 1,585,278 alleles (0.000063%); highest among the groups gnomAD compares: Non-Finnish European, 0.000085%; no homozygotes.

Submission:

Labcorp Genetics (formerly Invitae), Labcorp
Classification: Uncertain significance. Last evaluated: 2022-06-30. Review status: criteria provided, single submitter. Criteria: Invitae Variant Classification Sherloc (09022015). Collection method: clinical testing. Allele origin: germline.
Comment: In summary, the available evidence is currently insufficient to determine the role of this variant in disease. Therefore, it has been classified as a Variant of Uncertain Significance. Algorithms developed to predict the effect of missense changes on protein structure and function output the following: SIFT: "Tolerated"; PolyPhen-2: "Benign"; Align-GVGD: "Class C0". The proline amino acid residue is found in multiple mammalian species, which suggests that this missense change does not adversely affect protein function. This variant has not been reported in the literature in individuals affected with DLL1-related conditions. This variant is not present in population databases (gnomAD no frequency). This sequence change replaces alanine, which is neutral and non-polar, with proline, which is neutral and non-polar, at codon 433 of the DLL1 protein (p.Ala433Pro).

NM_005618.4(DLL1):c.1297G>C (p.Ala433Pro)

Gene: DLL1 (delta like canonical Notch ligand 1; minus strand). Cytogenetic location: 6q27.
Variant type: single nucleotide variant.
Coding change: c.1297G>C on transcript NM_005618.4 (MANE Select); coding-DNA position 1297, G replaced by C.
Protein change: p.Ala433Pro; replaces alanine 433 with proline.
Molecular consequence: missense variant.
Genome position (GRCh38, 1-based): chr6:170,283,982, C>G on the plus strand (G>C on the coding strand, the complement: DLL1 is on the minus strand). VCF-style: chr6-170283982-C-G. GRCh37 (hg19) VCF-style: chr6-170593070-C-G.
Other names: short protein forms A433P.
Identifiers: ClinVar variation 2012530 (VCV002012530.4), dbSNP rs1323392639, ClinGen allele CA366507570.